The following is an entry in ClinVar:

ClinVar aggregate classification (germline): Uncertain significance (1 of 4 stars; one submission).

Conditions:
Joubert syndrome. Also called: Familial aplasia of the vermis; CEREBELLOPARENCHYMAL DISORDER IV; JOUBERT-BOLTSHAUSER SYNDROME. Identifiers: Orphanet 475, MedGen C5979921, MONDO:0018772.

gnomAD v4.1: 1 of 1,613,964 alleles (0.000062%); highest among the groups gnomAD compares: Non-Finnish European, 0.000085%; no homozygotes.

Submission:

Labcorp Genetics (formerly Invitae), Labcorp
Classification: Uncertain significance for Joubert syndrome. Last evaluated: 2020-08-21. Review status: criteria provided, single submitter. Criteria: Invitae Variant Classification Sherloc (09022015). Collection method: clinical testing. Allele origin: germline.
Comment: This sequence change replaces methionine with isoleucine at codon 62 of the TMEM216 protein (p.Met62Ile). The methionine residue is highly conserved and there is a small physicochemical difference between methionine and isoleucine. This variant is not present in population databases (ExAC no frequency). This variant has not been reported in the literature in individuals with TMEM216-related conditions. Algorithms developed to predict the effect of missense changes on protein structure and function are either unavailable or do not agree on the potential impact of this missense change (SIFT: "Deleterious"; PolyPhen-2: "Benign"; Align-GVGD: "Class C0"). In summary, the available evidence is currently insufficient to determine the role of this variant in disease. Therefore, it has been classified as a Variant of Uncertain Significance.

NM_001173990.3(TMEM216):c.186G>A (p.Met62Ile)

Gene: TMEM216 (transmembrane protein 216; plus strand). Cytogenetic location: 11q12.2.
Variant type: single nucleotide variant.
Coding change: c.186G>A on transcript NM_001173990.3 (MANE Select); coding-DNA position 186, G replaced by A.
Protein change: p.Met62Ile; replaces methionine 62 with isoleucine.
Molecular consequence: missense variant. On other transcripts: initiator codon variant (2).
Genome position (GRCh38, 1-based): chr11:61,393,933, G>A. VCF-style: chr11-61393933-G-A. GRCh37 (hg19) VCF-style: chr11-61161405-G-A.
Other names: c.186G>A, p.Met62Ile (NM_001173991.3); c.3G>A, p.Met1Ile (NM_001330285.2, NM_016499.6); short protein forms M1I, M62I.
Identifiers: ClinVar variation 1024257 (VCV001024257.10), dbSNP rs1858737152, ClinGen allele CA380685115.